The following is an entry in ClinVar:

NM_000143.4(FH):c.683T>C (p.Ile228Thr)

Gene: FH (fumarate hydratase; minus strand). Cytogenetic location: 1q43.
Variant type: single nucleotide variant.
Coding change: c.683T>C on transcript NM_000143.4 (MANE Select); coding-DNA position 683, T replaced by C.
Protein change: p.Ile228Thr; replaces isoleucine 228 with threonine.
Molecular consequence: missense variant.
Genome position (GRCh38, 1-based): chr1:241,508,658, A>G on the plus strand (T>C on the coding strand, the complement: FH is on the minus strand). VCF-style: chr1-241508658-A-G. GRCh37 (hg19) VCF-style: chr1-241671958-A-G.
Other names: short protein forms I228T.
Identifiers: ClinVar variation 662672 (VCV000662672.12), dbSNP rs753773918, ClinGen allele CA345439247.
Genomic context (GRCh38, chr1:241,508,658, plus strand): 5'-TATACCTGCCCAAGAGTAAGTGGAACAGCATCCTGAGTATGAGTACGTCCAATCTTGATG[A>G]TCTGTGCAAACTCTTTGGATTTTGCATCAAGAGCATCATGTAACTTCTGTAGTCCTGGTA-3'
Protein context (NP_000134.2, residues 218-238): LDAKSKEFAQ[Ile228Thr]IKIGRTHTQD

ClinVar aggregate classification (germline): Uncertain significance. Review status: criteria provided, multiple submitters, no conflicts (2 of 4 stars). 2 submissions from 2 submitters: Uncertain significance (2). Last evaluated 2025-07-24.

Conditions:
Hereditary cancer-predisposing syndrome. Also called: Neoplastic Syndromes, Hereditary; Tumor predisposition; Hereditary neoplastic syndrome; Hereditary Cancer Syndrome. Identifiers: Orphanet 140162, MedGen C0027672, MeSH D009386, MONDO:0015356.

gnomAD v4.1: 1 of 1,613,800 alleles (0.000062%); highest among the groups gnomAD compares: African/African-American, 0.0013%; no homozygotes.

Submissions (2):

Ambry Genetics
Classification: Uncertain significance for Hereditary cancer-predisposing syndrome. Last evaluated: 2025-07-24. Review status: criteria provided, single submitter. Criteria: Ambry Variant Classification Scheme 2023. Collection method: clinical testing. Allele origin: germline.
Comment: The p.I228T variant (also known as c.683T>C), located in coding exon 5 of the FH gene, results from a T to C substitution at nucleotide position 683. The isoleucine at codon 228 is replaced by threonine, an amino acid with similar properties. This amino acid position is well conserved in available vertebrate species. In addition, this alteration is predicted to be deleterious by in silico analysis. Based on the available evidence, the clinical significance of this variant remains unclear.

Labcorp Genetics (formerly Invitae), Labcorp
Classification: Uncertain significance. Last evaluated: 2018-11-28. Review status: criteria provided, single submitter. Criteria: Invitae Variant Classification Sherloc (09022015). Collection method: clinical testing. Allele origin: germline.
Comment: In summary, the available evidence is currently insufficient to determine the role of this variant in disease. Therefore, it has been classified as a Variant of Uncertain Significance. Algorithms developed to predict the effect of missense changes on protein structure and function (SIFT, PolyPhen-2, Align-GVGD) all suggest that this variant is likely to be disruptive, but these predictions have not been confirmed by published functional studies and their clinical significance is uncertain. This variant has not been reported in the literature in individuals with FH-related conditions. This variant is not present in population databases (ExAC no frequency). This sequence change replaces isoleucine with threonine at codon 228 of the FH protein (p.Ile228Thr). The isoleucine residue is moderately conserved and there is a moderate physicochemical difference between isoleucine and threonine.